The following is an entry in ClinVar:

NM_000719.7(CACNA1C):c.3311C>G (p.Ala1104Gly)

Gene: CACNA1C (calcium voltage-gated channel subunit alpha1 C; plus strand). Cytogenetic location: 12p13.33.
Variant type: single nucleotide variant.
Coding change: c.3311C>G on transcript NM_000719.7 (MANE Select); coding-DNA position 3311, C replaced by G.
Protein change: p.Ala1104Gly; replaces alanine 1104 with glycine.
Molecular consequence: missense variant.
Genome position (GRCh38, 1-based): chr12:2,607,085, C>G. VCF-style: chr12-2607085-C-G. GRCh37 (hg19) VCF-style: chr12-2716251-C-G.
Other names: c.3371C>G, p.Ala1124Gly (NM_001129827.2, NM_001129832.2, NM_199460.4); c.3311C>G, p.Ala1104Gly (NM_001129829.2, NM_001129830.3, NM_001129831.2 and 15 more transcripts); c.3302C>G, p.Ala1101Gly (NM_001129844.2); short protein forms A1101G, A1104G, A1124G.
Identifiers: ClinVar variation 1506633 (VCV001506633.8), dbSNP rs987119986, ClinGen allele CA383374923.

ClinVar aggregate classification (germline): Uncertain significance (1 of 4 stars; one submission).

Conditions:
Long QT syndrome (LQTS). Identifiers: MedGen C0023976, MeSH D008133, MONDO:0002442. Disease mechanism: loss of function. Inheritance: Various modes of inheritance.

Submission:

Labcorp Genetics (formerly Invitae), Labcorp
Classification: Uncertain significance for Long QT syndrome. Last evaluated: 2023-08-10. Review status: criteria provided, single submitter. Criteria: Invitae Variant Classification Sherloc (09022015). Collection method: clinical testing. Allele origin: germline.
Comment: This sequence change replaces alanine, which is neutral and non-polar, with glycine, which is neutral and non-polar, at codon 1104 of the CACNA1C protein (p.Ala1104Gly). This variant is not present in population databases (gnomAD no frequency). This variant has not been reported in the literature in individuals affected with CACNA1C-related conditions. ClinVar contains an entry for this variant (Variation ID: 1506633). Advanced modeling of protein sequence and biophysical properties (such as structural, functional, and spatial information, amino acid conservation, physicochemical variation, residue mobility, and thermodynamic stability) performed at Invitae indicates that this missense variant is not expected to disrupt CACNA1C protein function. In summary, the available evidence is currently insufficient to determine the role of this variant in disease. Therefore, it has been classified as a Variant of Uncertain Significance.